The following is an entry in ClinVar:

ClinVar aggregate classification (germline): Likely pathogenic. Review status: criteria provided, multiple submitters, no conflicts (2 of 4 stars). 2 submissions from 2 submitters: Likely pathogenic (2). Last evaluated 2025-07-31.

Conditions:
Joubert syndrome. Also called: CEREBELLOPARENCHYMAL DISORDER IV; JOUBERT-BOLTSHAUSER SYNDROME; Familial aplasia of the vermis. Identifiers: Orphanet 475, MedGen C5979921, MONDO:0018772.
Nephronophthisis. Also called: Juvenile Nephronophthisis. Identifiers: Orphanet 655, MedGen C0687120, MONDO:0019005, HP:0000090.
Meckel-Gruber syndrome. Also called: DYSENCEPHALIA SPLANCHNOCYSTICA; GRUBER SYNDROME; Dysencephalia splachnocystica. Identifiers: Orphanet 564, MedGen C0265215, MONDO:0018921.

Allele frequency attached by ClinVar (database versions not stated): gnomAD 0.00001.

Submissions (2):

Labcorp Genetics (formerly Invitae), Labcorp
Classification: Likely pathogenic for Joubert syndrome; Meckel-Gruber syndrome; Nephronophthisis. Last evaluated: 2025-07-31. Review status: criteria provided, single submitter. Criteria: Invitae Variant Classification Sherloc (09022015). Collection method: clinical testing. Allele origin: germline.
Comment: This sequence change falls in intron 5 of the CEP290 gene. It does not directly change the encoded amino acid sequence of the CEP290 protein. It affects a nucleotide within the consensus splice site. This variant is not present in population databases (gnomAD no frequency). This variant has been observed in individual(s) with Leber congenital amaurosis (PMID: 29178642). In at least one individual the data is consistent with being in trans (on the opposite chromosome) from a pathogenic variant. It has also been observed to segregate with disease in related individuals. ClinVar contains an entry for this variant (Variation ID: 2499182). Variants that disrupt the consensus splice site are a relatively common cause of aberrant splicing (PMID: 17576681, 9536098). Algorithms developed to predict the effect of sequence changes on RNA splicing suggest that this variant may disrupt the consensus splice site. In summary, the currently available evidence indicates that the variant is pathogenic, but additional data are needed to prove that conclusively. Therefore, this variant has been classified as Likely Pathogenic.

GeneDx
Classification: Likely pathogenic. Last evaluated: 2023-04-11. Review status: criteria provided, single submitter. Criteria: GeneDx Variant Classification Process June 2021. Collection method: clinical testing. Allele origin: germline. Affected: yes.
Comment: Not observed at significant frequency in large population cohorts (gnomAD); In silico analysis is inconclusive as to whether the variant alters gene splicing. In the absence of RNA/functional studies, the actual effect of this sequence change is unknown.; This variant is associated with the following publications: (PMID: 29178642)

Literature cited by the submitters: PubMed 29178642 (cited by Labcorp Genetics (formerly Invitae), Labcorp); PubMed 17576681 (cited by Labcorp Genetics (formerly Invitae), Labcorp); PubMed 9536098 (cited by Labcorp Genetics (formerly Invitae), Labcorp).

NM_025114.4(CEP290):c.297+3A>G

Gene: CEP290 (centrosomal protein 290; minus strand). Cytogenetic location: 12q21.32.
Variant type: single nucleotide variant.
Coding change: c.297+3A>G on transcript NM_025114.4 (MANE Select); 3 bases into the intron after coding-DNA position 297, A replaced by G.
Molecular consequence: intron variant.
Genome position (GRCh38, 1-based): chr12:88,139,142, T>C on the plus strand (A>G on the coding strand, the complement: CEP290 is on the minus strand). VCF-style: chr12-88139142-T-C. GRCh37 (hg19) VCF-style: chr12-88532919-T-C.
Identifiers: ClinVar variation 2499182 (VCV002499182.2), dbSNP rs2040496521, ClinGen allele CA950221553.